The following is an entry in ClinVar:

ClinVar aggregate classification (germline): Uncertain significance (1 of 4 stars; one submission).

Conditions:
Epidermolysis bullosa simplex 3, localized or generalized intermediate, with BP230 deficiency (EBS3). Also called: Epidermolysis bullosa simplex, autosomal recessive 2; Epidermolysis bullosa simplex due to BP230 deficiency. Identifiers: Orphanet 412181, MedGen C3809470, MONDO:0014180, OMIM 615425.
Hereditary sensory and autonomic neuropathy type 6. Also called: HSAN VI; Neuropathy, hereditary sensory and autonomic, type VI. Identifiers: Orphanet 314381, MedGen C3539003, MONDO:0013839, OMIM 614653.

gnomAD v4.1: 1 of 1,614,036 alleles (0.000062%); highest among the groups gnomAD compares: African/African-American, 0.0013%; no homozygotes.

Submission:

Labcorp Genetics (formerly Invitae), Labcorp
Classification: Uncertain significance for Epidermolysis bullosa simplex 3, localized or generalized intermediate, with BP230 deficiency; Hereditary sensory and autonomic neuropathy type 6. Last evaluated: 2022-07-19. Review status: criteria provided, single submitter. Criteria: Invitae Variant Classification Sherloc (09022015). Collection method: clinical testing. Allele origin: germline.
Comment: This variant is present in population databases (no rsID available, gnomAD 0.01%). In summary, the available evidence is currently insufficient to determine the role of this variant in disease. Therefore, it has been classified as a Variant of Uncertain Significance. Algorithms developed to predict the effect of missense changes on protein structure and function (SIFT, PolyPhen-2, Align-GVGD) all suggest that this variant is likely to be tolerated. This variant has not been reported in the literature in individuals affected with DST-related conditions. This sequence change replaces asparagine, which is neutral and polar, with lysine, which is basic and polar, at codon 2543 of the DST protein (p.Asn2543Lys).

NM_001723.7(DST):c.7629T>G (p.Asn2543Lys)

Gene: DST (dystonin; minus strand). Cytogenetic location: 6p12.1.
Variant type: single nucleotide variant.
Coding change: c.7629T>G on transcript NM_001723.7 (MANE Plus Clinical); coding-DNA position 7629, T replaced by G.
Protein change: p.Asn2543Lys; replaces asparagine 2543 with lysine.
Molecular consequence: missense variant. On other transcripts: intron variant (10).
Genome position (GRCh38, 1-based): chr6:56,615,838, A>C on the plus strand (T>G on the coding strand, the complement: DST is on the minus strand). VCF-style: chr6-56615838-A-C. GRCh37 (hg19) VCF-style: chr6-56480636-A-C.
Other names: c.4831-1354T>G (NM_001144769.5); c.4930-1354T>G (NM_001374722.1, NM_001374736.1); c.4957-1354T>G (NM_001374734.1); c.4417-1354T>G (NM_001144770.2); c.4297-1354T>G (NM_001374730.1, NM_001386100.1, NM_183380.4 and 1 more transcripts); c.3319-1354T>G (NM_015548.5); short protein forms N2543K.
Identifiers: ClinVar variation 2082335 (VCV002082335.4), dbSNP rs202229586, ClinGen allele CA364562596.